The following is an entry in ClinVar:

ClinVar aggregate classification (germline): Benign/Likely benign. Review status: criteria provided, multiple submitters, no conflicts (2 of 4 stars). 3 submissions from 3 submitters: Benign (1); Likely benign (2). Last evaluated 2026-09-01.

Conditions:
Inborn genetic diseases. Identifiers: MedGen C0950123, MeSH D030342.
Luscan-Lumish syndrome. Identifiers: Orphanet 597738, MedGen C4085873, MONDO:0014791, OMIM 616831.

Allele frequency attached by ClinVar (database versions not stated): TOPMed 0.00001; gnomAD exomes 0.00002; ExAC 0.00003.
gnomAD v4.1: 9 of 1,611,578 alleles (0.00056%); highest among the groups gnomAD compares: Admixed American, 0.01%; no homozygotes.

Submissions (3):

CeGaT Center for Human Genetics Tuebingen
Classification: Likely benign. Last evaluated: 2026-09-01. Review status: criteria provided, single submitter. Criteria: CeGaT Center For Human Genetics Tuebingen Variant Classification Criteria Version 2. Collection method: clinical testing. Allele origin: germline. Affected: yes. Observed: 1 variant allele.
Comment: SETD2: BP4

Ambry Genetics
Classification: Likely benign for Inborn genetic diseases. Last evaluated: 2025-01-19. Review status: criteria provided, single submitter. Criteria: Ambry Variant Classification Scheme 2023. Collection method: clinical testing. Allele origin: germline.

Labcorp Genetics (formerly Invitae), Labcorp
Classification: Benign for Luscan-Lumish syndrome. Last evaluated: 2022-08-15. Review status: criteria provided, single submitter. Criteria: Invitae Variant Classification Sherloc (09022015). Collection method: clinical testing. Allele origin: germline.

NM_014159.7(SETD2):c.1850C>T (p.Pro617Leu)

Gene: SETD2 (SET domain containing 2, histone lysine methyltransferase; minus strand). Cytogenetic location: 3p21.31.
Variant type: single nucleotide variant.
Coding change: c.1850C>T on transcript NM_014159.7 (MANE Select); coding-DNA position 1850, C replaced by T.
Protein change: p.Pro617Leu; replaces proline 617 with leucine.
Molecular consequence: missense variant. On other transcripts: non-coding transcript variant (1).
Genome position (GRCh38, 1-based): chr3:47,122,786, G>A on the plus strand (C>T on the coding strand, the complement: SETD2 is on the minus strand). VCF-style: chr3-47122786-G-A. GRCh37 (hg19) VCF-style: chr3-47164276-G-A.
Other names: c.1718C>T, p.Pro573Leu (NM_001349370.3); c.1850C>T (NM_014159.6); short protein forms P573L, P617L.
Identifiers: ClinVar variation 1167812 (VCV001167812.9), dbSNP rs758973573, ClinGen allele CA2363621.
Genomic context (GRCh38, chr3:47,122,786, plus strand): 5'-TTAAAAATAGGCAATTCATCTAGCTTTTTTAAAGTAGGTGAATCATTTAATCGATTTGAT[G>A]GAGCTGGAGACCCAGCCTTTTCTCTTTCAGGATTTTTATTAATCATTCTTAATTCACTAC-3'
Protein context (NP_054878.5, residues 607-627): PEREKAGSPA[Pro617Leu]SNRLNDSPTL